The following is an entry in ClinVar:

ClinVar aggregate classification (germline): Uncertain significance (1 of 4 stars; one submission).

Conditions:
Gastrointestinal stromal tumor. Also called: Gastrointestinal stromal tumor, somatic; Gastrointestinal stroma tumor. Identifiers: Orphanet 44890, MedGen C0238198, MeSH D046152, MONDO:0011719, OMIM 606764, HP:0100723.

Submission:

Labcorp Genetics (formerly Invitae), Labcorp
Classification: Uncertain significance for Gastrointestinal stromal tumor. Last evaluated: 2024-01-10. Review status: criteria provided, single submitter. Criteria: Invitae Variant Classification Sherloc (09022015). Collection method: clinical testing. Allele origin: germline.
Comment: This sequence change falls in intron 3 of the KIT gene. It does not directly change the encoded amino acid sequence of the KIT protein. Information on the frequency of this variant in the gnomAD database is not available, as this variant may be reported differently in the database. This variant has not been reported in the literature in individuals affected with KIT-related conditions. Experimental studies and prediction algorithms are not available or were not evaluated, and the effect of this variant on mRNA splicing is currently unknown. In summary, the available evidence is currently insufficient to determine the role of this variant in disease. Therefore, it has been classified as a Variant of Uncertain Significance.

NM_000222.3(KIT):c.619+11_619+12delinsGC

Gene: KIT (KIT proto-oncogene, receptor tyrosine kinase; plus strand). Cytogenetic location: 4q12.
Variant type: Indel.
Coding change: c.619+11_619+12delinsGC on transcript NM_000222.3 (MANE Select); bases 11 to 12 of the intron after coding-DNA position 619, TT replaced by GC.
Molecular consequence: intron variant.
Genome position (GRCh38, 1-based): chr4:54,698,576-54,698,577, TT replaced by GC. VCF-style: chr4-54698576-TT-GC. GRCh37 (hg19) VCF-style: chr4-55564742-TT-GC.
Other names: c.619+11_619+12delinsGC (NM_001385284.1, NM_001385290.1, NM_001385288.1 and 4 more transcripts).
Identifiers: ClinVar variation 2840217 (VCV002840217.3), dbSNP rs2475452876, ClinGen allele CA2739270071.